The following is an entry in ClinVar:

NM_003072.5(SMARCA4):c.1330C>G (p.Arg444Gly)

Gene: SMARCA4 (SWI/SNF related BAF chromatin remodeling complex subunit ATPase 4; plus strand). Cytogenetic location: 19p13.2.
Variant type: single nucleotide variant.
Coding change: c.1330C>G on transcript NM_003072.5 (MANE Select); coding-DNA position 1330, C replaced by G.
Protein change: p.Arg444Gly; replaces arginine 444 with glycine.
Molecular consequence: missense variant. On other transcripts: non-coding transcript variant (1).
Genome position (GRCh38, 1-based): chr19:10,991,234, C>G. VCF-style: chr19-10991234-C-G. GRCh37 (hg19) VCF-style: chr19-11101910-C-G.
Other names: c.1330C>G, p.Arg444Gly (NM_001128844.3, NM_001128845.2, NM_001128846.2 and 6 more transcripts); short protein forms R444G.
Identifiers: ClinVar variation 4802552 (VCV004802552.1).

ClinVar aggregate classification (germline): Uncertain significance (1 of 4 stars; one submission).

Conditions:
Rhabdoid tumor predisposition syndrome 2 (RTPS2). Identifiers: Orphanet 231108, Orphanet 69077, MedGen C2750074, MONDO:0013224, OMIM 613325.

Submission:

Labcorp Genetics (formerly Invitae), Labcorp
Classification: Uncertain significance for Rhabdoid tumor predisposition syndrome 2. Last evaluated: 2025-03-05. Review status: criteria provided, single submitter. Criteria: Invitae Variant Classification Sherloc (09022015). Collection method: clinical testing. Allele origin: germline.
Comment: This sequence change replaces arginine, which is basic and polar, with glycine, which is neutral and non-polar, at codon 444 of the SMARCA4 protein (p.Arg444Gly). This variant is not present in population databases (gnomAD no frequency). This variant has not been reported in the literature in individuals affected with SMARCA4-related conditions. Invitae Evidence Modeling of protein sequence and biophysical properties (such as structural, functional, and spatial information, amino acid conservation, physicochemical variation, residue mobility, and thermodynamic stability) indicates that this missense variant is expected to disrupt SMARCA4 protein function with a positive predictive value of 80%. In summary, the available evidence is currently insufficient to determine the role of this variant in disease. Therefore, it has been classified as a Variant of Uncertain Significance.